The following is an entry in ClinVar:

ClinVar aggregate classification (germline): Likely pathogenic. Review status: criteria provided, multiple submitters, no conflicts (2 of 4 stars). 3 submissions from 3 submitters: Likely pathogenic (3). Last evaluated 2025-11-14.

Conditions:
Oculocutaneous albinism type 1. Also called: Albinism 1; ALBINISM I. Identifiers: Orphanet 352731, MedGen C0268494, MONDO:0018135. Disease mechanism: loss of function.
TYR-related disorder. Also called: TYR-related condition.

Allele frequency attached by ClinVar (database versions not stated): gnomAD exomes below 0.00001.
gnomAD v4.1: 3 of 1,614,198 alleles (0.00019%); highest among the groups gnomAD compares: South Asian, 0.0022%; no homozygotes.

Submissions (3):

Myriad Genetics, Inc.
Classification: Likely pathogenic for Oculocutaneous albinism type 1. Last evaluated: 2025-11-14. Review status: criteria provided, single submitter. Criteria: Myriad Autosomal Dominant, Autosomal Recessive and X-Linked Classification Criteria (2023). Collection method: clinical testing. Allele origin: unknown.
Comment: NM_000372.4(TYR):c.605A>G(H202R) is a missense variant classified as likely pathogenic in the context of oculocutaneous albinism, TYR-related. H202R has been observed in cases with relevant disease (PMID: 34838614, 38030918, 18463683). Relevant functional assessments of this variant are available in the literature (PMID: 27537549). H202R has been observed in referenced population frequency databases. In summary, NM_000372.4(TYR):c.605A>G(H202R) is a missense variant that has functional support for pathogenicity and has been observed more frequently in cases with the relevant disease than in healthy populations. Please note: this variant was assessed in the context of healthy population screening.

Labcorp Genetics (formerly Invitae), Labcorp
Classification: Likely pathogenic. Last evaluated: 2022-08-02. Review status: criteria provided, single submitter. Criteria: Invitae Variant Classification Sherloc (09022015). Collection method: clinical testing. Allele origin: germline.
Comment: Experimental studies have shown that this missense change affects TYR function (PMID: 27537549). Advanced modeling of protein sequence and biophysical properties (such as structural, functional, and spatial information, amino acid conservation, physicochemical variation, residue mobility, and thermodynamic stability) performed at Invitae indicates that this missense variant is expected to disrupt TYR protein function. This missense change has been observed in individual(s) with oculocutaneous albinism (PMID: 18463683). This variant is present in population databases (no rsID available, gnomAD 0.003%). This sequence change replaces histidine, which is basic and polar, with arginine, which is basic and polar, at codon 202 of the TYR protein (p.His202Arg). This variant disrupts the p.His202 amino acid residue in TYR. Other variant(s) that disrupt this residue have been determined to be pathogenic (PMID: 20861488, 25216246, 27734839). This suggests that this residue is clinically significant, and that variants that disrupt this residue are likely to be disease-causing. In summary, the currently available evidence indicates that the variant is pathogenic, but additional data are needed to prove that conclusively. Therefore, this variant has been classified as Likely Pathogenic.

Blueprint Genetics
Classification: Likely pathogenic for TYR-related disorders. Last evaluated: 2022-06-23. Review status: criteria provided, single submitter. Criteria: ACMG Guidelines, 2015. Collection method: clinical testing. Allele origin: germline. Affected: yes. Observed: 1 variant allele.

Literature cited by the submitters: PubMed 18463683 (cited by Myriad Genetics, Inc. and Labcorp Genetics (formerly Invitae), Labcorp); PubMed 27537549 (cited by Myriad Genetics, Inc. and Labcorp Genetics (formerly Invitae), Labcorp); PubMed 34838614 (cited by Myriad Genetics, Inc.); PubMed 38030918 (cited by Myriad Genetics, Inc.); PubMed 20861488 (cited by Labcorp Genetics (formerly Invitae), Labcorp); PubMed 25216246 (cited by Labcorp Genetics (formerly Invitae), Labcorp); PubMed 27734839 (cited by Labcorp Genetics (formerly Invitae), Labcorp).

NM_000372.5(TYR):c.605A>G (p.His202Arg)

Gene: TYR (tyrosinase; plus strand). Cytogenetic location: 11q14.3.
Variant type: single nucleotide variant.
Coding change: c.605A>G on transcript NM_000372.5 (MANE Select); coding-DNA position 605, A replaced by G.
Protein change: p.His202Arg; replaces histidine 202 with arginine.
Molecular consequence: missense variant.
Genome position (GRCh38, 1-based): chr11:89,178,558, A>G. VCF-style: chr11-89178558-A-G. GRCh37 (hg19) VCF-style: chr11-88911726-A-G.
Other names: short protein forms H202R.
Identifiers: ClinVar variation 2137229 (VCV002137229.6), dbSNP rs1234617605, ClinGen allele CA382034927.